The following is an entry in ClinVar:

NM_001042492.3(NF1):c.8290C>T (p.Pro2764Ser)

Gene: NF1 (neurofibromin 1; plus strand). Cytogenetic location: 17q11.2.
Variant type: single nucleotide variant.
Coding change: c.8290C>T on transcript NM_001042492.3 (MANE Select); coding-DNA position 8290, C replaced by T.
Protein change: p.Pro2764Ser; replaces proline 2764 with serine.
Molecular consequence: missense variant.
Genome position (GRCh38, 1-based): chr17:31,360,616, C>T. VCF-style: chr17-31360616-C-T. GRCh37 (hg19) VCF-style: chr17-29687634-C-T.
Other names: c.8227C>T, p.Pro2743Ser (NM_000267.4); short protein forms P2743S, P2764S.
Identifiers: ClinVar variation 1717807 (VCV001717807.5), dbSNP rs2151588049, ClinGen allele CA399204846.

ClinVar aggregate classification (germline): Uncertain significance (1 of 4 stars; one submission).

Conditions:
Neurofibromatosis, type 1 (NF1). Also called: Peripheral type neurofibromatosis; VON RECKLINGHAUSEN DISEASE; NEUROFIBROMATOSIS, TYPE I, SOMATIC; Neurofibromatosis, type I. Identifiers: Orphanet 636, MedGen C0027831, MONDO:0018975, OMIM 162200. Disease mechanism: loss of function.

Submission:

Labcorp Genetics (formerly Invitae), Labcorp
Classification: Uncertain significance for Neurofibromatosis, type 1. Last evaluated: 2022-08-23. Review status: criteria provided, single submitter. Criteria: Invitae Variant Classification Sherloc (09022015). Collection method: clinical testing. Allele origin: germline.
Comment: In summary, the available evidence is currently insufficient to determine the role of this variant in disease. Therefore, it has been classified as a Variant of Uncertain Significance. Algorithms developed to predict the effect of missense changes on protein structure and function are either unavailable or do not agree on the potential impact of this missense change (SIFT: "Deleterious"; PolyPhen-2: "Probably Damaging"; Align-GVGD: "Class C0"). This variant has not been reported in the literature in individuals affected with NF1-related conditions. This variant is not present in population databases (gnomAD no frequency). This sequence change replaces proline, which is neutral and non-polar, with serine, which is neutral and polar, at codon 2743 of the NF1 protein (p.Pro2743Ser).